The following is an entry in ClinVar:

ClinVar aggregate classification (germline): Uncertain significance (1 of 4 stars; one submission).

Conditions:
Lowe syndrome (OCRL). Also called: Oculocerebrorenal Syndrome; LOWE OCULOCEREBRORENAL SYNDROME; PHOSPHATIDYLINOSITOL 4,5-BISPHOSPHATE 5-PHOSPHATASE DEFICIENCY. Identifiers: Orphanet 534, MedGen C0028860, MONDO:0010645, OMIM 309000.

Submission:

Labcorp Genetics (formerly Invitae), Labcorp
Classification: Uncertain significance for Lowe syndrome. Last evaluated: 2022-03-11. Review status: criteria provided, single submitter. Criteria: Invitae Variant Classification Sherloc (09022015). Collection method: clinical testing. Allele origin: germline.
Comment: In summary, the available evidence is currently insufficient to determine the role of this variant in disease. Therefore, it has been classified as a Variant of Uncertain Significance. Advanced modeling of protein sequence and biophysical properties (such as structural, functional, and spatial information, amino acid conservation, physicochemical variation, residue mobility, and thermodynamic stability) performed at Invitae indicates that this missense variant is not expected to disrupt OCRL protein function. This variant has not been reported in the literature in individuals affected with OCRL-related conditions. This variant is not present in population databases (gnomAD no frequency). This sequence change replaces histidine, which is basic and polar, with glutamine, which is neutral and polar, at codon 51 of the OCRL protein (p.His51Gln).

NM_000276.4(OCRL):c.153T>A (p.His51Gln)

Gene: OCRL (OCRL inositol polyphosphate-5-phosphatase; plus strand). Cytogenetic location: Xq26.1.
Variant type: single nucleotide variant.
Coding change: c.153T>A on transcript NM_000276.4 (MANE Select); coding-DNA position 153, T replaced by A.
Protein change: p.His51Gln; replaces histidine 51 with glutamine.
Molecular consequence: missense variant.
Genome position (GRCh38, 1-based): chrX:129,544,991, T>A. VCF-style: chrX-129544991-T-A. GRCh37 (hg19) VCF-style: chrX-128678968-T-A.
Other names: c.156T>A, p.His52Gln (NM_001318784.2); c.153T>A, p.His51Gln (NM_001587.4); short protein forms H51Q, H52Q.
Identifiers: ClinVar variation 1477236 (VCV001477236.6), dbSNP rs1392543051, ClinGen allele CA414550550.